The following is an entry in ClinVar:

ClinVar aggregate classification (germline): Likely benign. Review status: criteria provided, multiple submitters, no conflicts (2 of 4 stars). 5 submissions from 5 submitters: Likely benign (5). Last evaluated 2025-04-17.

Conditions:
Catecholaminergic polymorphic ventricular tachycardia (CVPT). Also called: Catecholamine-induced polymorphic ventricular tachycardia. Identifiers: Orphanet 3286, MedGen C5574922, MONDO:0017990.
Cardiovascular phenotype. Identifiers: MedGen CN230736.
Catecholaminergic polymorphic ventricular tachycardia 1. Also called: RYR2-Related Catecholaminergic Polymorphic Ventricular Tachycardia; VENTRICULAR TACHYCARDIA, CATECHOLAMINERGIC POLYMORPHIC, 1, WITH OR WITHOUT ATRIAL DYSFUNCTION AND/OR DILATED CARDIOMYOPATHY; VENTRICULAR TACHYCARDIA, STRESS-INDUCED POLYMORPHIC 1. Identifiers: Orphanet 3286, MedGen C1631597, MONDO:0011484, OMIM 604772.
Cardiomyopathy (CMYO). Also called: Cardiomyopathies. Identifiers: Orphanet 167848, MedGen C0878544, MONDO:0004994, HP:0001638. Inheritance: Various modes of inheritance.

Allele frequency attached by ClinVar (database versions not stated): gnomAD 0.00001; TOPMed 0.00001; ExAC 0.00002; gnomAD exomes 0.00002; ESP Exome Variant Server 0.00008.
gnomAD v4.1: 14 of 1,612,632 alleles (0.00087%); highest among the groups gnomAD compares: Non-Finnish European, 0.0011%; no homozygotes.

Submissions (5):

Labcorp Genetics (formerly Invitae), Labcorp
Classification: Likely benign for Catecholaminergic polymorphic ventricular tachycardia 1. Last evaluated: 2025-04-17. Review status: criteria provided, single submitter. Criteria: Invitae Variant Classification Sherloc (09022015). Collection method: clinical testing. Allele origin: germline.

All of Us Research Program, National Institutes of Health
Classification: Likely benign for Catecholaminergic polymorphic ventricular tachycardia. Last evaluated: 2023-08-08. Review status: criteria provided, single submitter. Criteria: ACMG Guidelines, 2015. Collection method: clinical testing. Allele origin: germline. Inheritance: Autosomal dominant inheritance. Observed: 5 variant alleles, 5 heterozygotes.
Comment: This study involves interpretation of variants in research participants for the purpose of population health screening. Participant phenotype was not available at the time of variant classification. Additional details can be found in publication PMID: 35346344, PMCID: PMC8962531

Ambry Genetics
Classification: Likely benign for Cardiovascular phenotype. Last evaluated: 2021-04-13. Review status: criteria provided, single submitter. Criteria: Ambry Variant Classification Scheme 2023. Collection method: clinical testing. Allele origin: germline.

Color Diagnostics, LLC DBA Color Health
Classification: Likely benign for Cardiomyopathy. Last evaluated: 2018-12-13. Review status: criteria provided, single submitter. Criteria: ACMG Guidelines, 2015. Collection method: clinical testing. Allele origin: germline.

GeneDx
Classification: Likely benign. Last evaluated: 2017-04-19. Review status: criteria provided, single submitter. Criteria: GeneDx Variant Classification (06012015). Collection method: clinical testing. Allele origin: germline. Affected: yes.
Comment: This variant is considered likely benign or benign based on one or more of the following criteria: it is a conservative change, it occurs at a poorly conserved position in the protein, it is predicted to be benign by multiple in silico algorithms, and/or has population frequency not consistent with disease.

NM_001035.3(RYR2):c.2632C>T (p.Leu878=)

Gene: RYR2 (ryanodine receptor 2; plus strand). Cytogenetic location: 1q43.
Variant type: single nucleotide variant.
Coding change: c.2632C>T on transcript NM_001035.3 (MANE Select); coding-DNA position 2632, C replaced by T.
Protein change: p.Leu878=; no amino-acid change (leucine 878 retained).
Molecular consequence: synonymous variant.
Genome position (GRCh38, 1-based): chr1:237,506,728, C>T. VCF-style: chr1-237506728-C-T. GRCh37 (hg19) VCF-style: chr1-237670028-C-T.
Other names: c.2632C>T, p.Leu878= (LRG_402t1).
Identifiers: ClinVar variation 389900 (VCV000389900.16), dbSNP rs376834009, ClinGen allele CA086097.